The following is an entry in ClinVar:

ClinVar aggregate classification (germline): Likely benign. Review status: criteria provided, multiple submitters, no conflicts (2 of 4 stars). 3 submissions from 3 submitters: Likely benign (3). Last evaluated 2025-06-01.

Conditions:
Cardiovascular phenotype. Identifiers: MedGen CN230736.

gnomAD v4.1: 5 of 1,505,626 alleles (0.00033%); highest among the groups gnomAD compares: Middle Eastern, 0.035%; no homozygotes.

Submissions (3):

CeGaT Center for Human Genetics Tuebingen
Classification: Likely benign. Last evaluated: 2025-06-01. Review status: criteria provided, single submitter. Criteria: CeGaT Center For Human Genetics Tuebingen Variant Classification Criteria Version 2. Collection method: clinical testing. Allele origin: germline. Affected: yes. Observed: 1 variant allele.
Comment: ZNF469: BP4, BP7

Ambry Genetics
Classification: Likely benign for Cardiovascular phenotype. Last evaluated: 2024-10-25. Review status: criteria provided, single submitter. Criteria: Ambry Variant Classification Scheme 2023. Collection method: clinical testing. Allele origin: germline.

Labcorp Genetics (formerly Invitae), Labcorp
Classification: Likely benign. Last evaluated: 2023-06-03. Review status: criteria provided, single submitter. Criteria: Invitae Variant Classification Sherloc (09022015). Collection method: clinical testing. Allele origin: germline.

NM_001367624.2(ZNF469):c.9417C>G (p.Pro3139=)

Gene: ZNF469 (zinc finger protein 469; plus strand). Cytogenetic location: 16q24.2.
Variant type: single nucleotide variant.
Coding change: c.9417C>G on transcript NM_001367624.2 (MANE Select); coding-DNA position 9417, C replaced by G.
Protein change: p.Pro3139=; no amino-acid change (proline 3139 retained).
Molecular consequence: synonymous variant.
Genome position (GRCh38, 1-based): chr16:88,436,887, C>G. VCF-style: chr16-88436887-C-G. GRCh37 (hg19) VCF-style: chr16-88503295-C-G.
Other names: NM_001127464.1:c.9333C>G.
Identifiers: ClinVar variation 2958126 (VCV002958126.12), dbSNP rs747613949, ClinGen allele CA497358287.
Genomic context (GRCh38, chr16:88,436,887, plus strand): 5'-GTGCTTCCAGCGCTTCCGCAGCCTGGGCGAGCTGGACCTGCACAAGCTGGCCCACACGCC[C>G]GCGCCGCCGCCCACCTGCTACATGTGCGTGGAGCGCAGGTTTGGCTCGCGGGAGCTGCTG-3'
Protein context (NP_001354553.1, residues 3129-3149): ELDLHKLAHT[Pro3139=]APPPTCYMCV